The following is an entry in ClinVar:

ClinVar aggregate classification (germline): Uncertain significance (1 of 4 stars; one submission).

Allele frequency attached by ClinVar (database versions not stated): gnomAD exomes below 0.00001; ExAC 0.00001; gnomAD 0.00001; TOPMed 0.00001.

Submission:

Labcorp Genetics (formerly Invitae), Labcorp
Classification: Uncertain significance. Last evaluated: 2025-10-21. Review status: criteria provided, single submitter. Criteria: Invitae Variant Classification Sherloc (09022015). Collection method: clinical testing. Allele origin: germline.
Comment: This sequence change replaces isoleucine, which is neutral and non-polar, with threonine, which is neutral and polar, at codon 533 of the RIPK1 protein (p.Ile533Thr). This variant is present in population databases (rs776988731, gnomAD 0.02%). This variant has not been reported in the literature in individuals affected with RIPK1-related conditions. ClinVar contains an entry for this variant (Variation ID: 1918799). An algorithm developed to predict the effect of missense changes on protein structure and function (PolyPhen-2) suggests that this variant is likely to be disruptive. In summary, the available evidence is currently insufficient to determine the role of this variant in disease. Therefore, it has been classified as a Variant of Uncertain Significance.

NM_001354930.2(RIPK1):c.1598T>C (p.Ile533Thr)

Gene: RIPK1 (receptor interacting serine/threonine kinase 1; plus strand). Cytogenetic location: 6p25.2.
Variant type: single nucleotide variant.
Coding change: c.1598T>C on transcript NM_001354930.2 (MANE Select); coding-DNA position 1598, T replaced by C.
Protein change: p.Ile533Thr; replaces isoleucine 533 with threonine.
Molecular consequence: missense variant.
Genome position (GRCh38, 1-based): chr6:3,110,824, T>C. VCF-style: chr6-3110824-T-C. GRCh37 (hg19) VCF-style: chr6-3111058-T-C.
Other names: c.1109T>C, p.Ile370Thr (NM_001317061.3, NM_001354932.2, NM_001354933.2 and 1 more transcripts); c.1460T>C, p.Ile487Thr (NM_001354931.2); c.1598T>C, p.Ile533Thr (NM_003804.6); short protein forms I370T, I487T, I533T.
Identifiers: ClinVar variation 1918799 (VCV001918799.5), dbSNP rs776988731, ClinGen allele CA3618468.